The following is an entry in ClinVar:

ClinVar aggregate classification (germline): Uncertain significance (1 of 4 stars; one submission).

Allele frequency attached by ClinVar (database versions not stated): gnomAD exomes below 0.00001; TOPMed below 0.00001; gnomAD 0.00001.
gnomAD v4.1: 5 of 1,613,660 alleles (0.00031%); highest among the groups gnomAD compares: Non-Finnish European, 0.00034%; no homozygotes.

Submission:

Laboratorio de Genetica e Diagnostico Molecular, Hospital Israelita Albert Einstein
Classification: Uncertain significance. Last evaluated: 2021-11-23. Review status: criteria provided, single submitter. Criteria: ACMG Guidelines, 2015. Collection method: clinical testing. Allele origin: germline. Affected: yes.
Comment: ACMG classification criteria: PM2, PP2, PP3

NM_003482.4(KMT2D):c.16001A>G (p.Asn5334Ser)

Gene: KMT2D (lysine methyltransferase 2D; minus strand). Cytogenetic location: 12q13.12.
Variant type: single nucleotide variant.
Coding change: c.16001A>G on transcript NM_003482.4 (MANE Select); coding-DNA position 16001, A replaced by G.
Protein change: p.Asn5334Ser; replaces asparagine 5334 with serine.
Molecular consequence: missense variant.
Genome position (GRCh38, 1-based): chr12:49,024,629, T>C on the plus strand (A>G on the coding strand, the complement: KMT2D is on the minus strand). VCF-style: chr12-49024629-T-C. GRCh37 (hg19) VCF-style: chr12-49418412-T-C.
Other names: short protein forms N5334S.
Identifiers: ClinVar variation 1690496 (VCV001690496.2), dbSNP rs1201302456, ClinGen allele CA384681402.
Genomic context (GRCh38, chr12:49,024,629, plus strand): 5'-CAAGCTCACCGTTTGTAGTGTGTGAGGATTTTAGGCTCTGATCGGGCACAGCCAGTGGGG[T>C]TGATCATGAGTGGCAGCTCCATAAGGGGGTGGCGCCCATAGCGGAATAAATAGTTTTGAC-3'
Protein context (NP_003473.3, residues 5324-5344): HPLMELPLMI[Asn5334Ser]PTGCARSEPK